The following is an entry in ClinVar:

NM_201384.3(PLEC):c.3262C>T (p.Leu1088Phe)

Gene: PLEC (plectin; minus strand). Cytogenetic location: 8q24.3.
Variant type: single nucleotide variant.
Coding change: c.3262C>T on transcript NM_201384.3 (MANE Select); coding-DNA position 3262, C replaced by T.
Protein change: p.Leu1088Phe; replaces leucine 1088 with phenylalanine.
Molecular consequence: missense variant.
Genome position (GRCh38, 1-based): chr8:143,927,991, G>A on the plus strand (C>T on the coding strand, the complement: PLEC is on the minus strand). VCF-style: chr8-143927991-G-A. GRCh37 (hg19) VCF-style: chr8-145002159-G-A.
Other names: c.3343C>T, p.Leu1115Phe (NM_000445.5, NM_001410941.1); c.3220C>T, p.Leu1074Phe (NM_201378.4); c.3196C>T, p.Leu1066Phe (NM_201379.3); c.3673C>T, p.Leu1225Phe (NM_201380.4); c.3166C>T, p.Leu1056Phe (NM_201381.3); c.3262C>T, p.Leu1088Phe (NM_201382.4); c.3274C>T, p.Leu1092Phe (NM_201383.3); short protein forms L1088F, L1225F, L1056F, L1074F, L1115F, L1066F, L1092F.
Identifiers: ClinVar variation 2066975 (VCV002066975.4), dbSNP rs782370585, ClinGen allele CA372567602.
Genomic context (GRCh38, chr8:143,927,991, plus strand): 5'-GGGCCCTGAGCACCTCCTCGGCCCCCTGCGTGCCGCGGATCACCAGGCTGATGGTCTTGA[G>A]CCTGGCGGGAAAGCGGGGCTCAGGGCCATGACATGGGGCTCGAGCAATAGCCCAAGGGAA-3'
Protein context (NP_958786.1, residues 1078-1098): RSLSAIYLEK[Leu1088Phe]KTISLVIRGT

ClinVar aggregate classification (germline): Uncertain significance (1 of 4 stars; one submission).

Conditions:
Epidermolysis bullosa simplex 5B, with muscular dystrophy (EBS5B). Also called: EPIDERMOLYSIS BULLOSA SIMPLEX AND LIMB-GIRDLE MUSCULAR DYSTROPHY; Epidermolysis bullosa simplex with muscular dystrophy. Identifiers: Orphanet 257, MedGen C2931072, MONDO:0009181, OMIM 226670.
Epidermolysis bullosa simplex 5C, with pyloric atresia (EBS5C). Also called: Epidermolysis bullosa simplex with pyloric atresia; PLEC-Related Epidermolysis Bullosa with Pyloric Atresia; PLEC1-Related Epidermolysis Bullosa with Pyloric Atresia. Identifiers: Orphanet 158684, MedGen C2677349, MONDO:0012807, OMIM 612138.
Epidermolysis bullosa simplex with nail dystrophy (EBS5D). Identifiers: MedGen C4225309, MONDO:0014661, OMIM 616487.
Autosomal recessive limb-girdle muscular dystrophy type 2Q (LGMDR17). Also called: MUSCULAR DYSTROPHY, LIMB-GIRDLE, AUTOSOMAL RECESSIVE 17. Identifiers: Orphanet 254361, MedGen C3150989, MONDO:0013390, OMIM 613723.
Epidermolysis bullosa simplex, Ogna type (EBS5A). Also called: Pidermolysis bullosa simplex 5A, Ogna type; EPIDERMOLYSIS BULLOSA SIMPLEX 5A, OGNA TYPE. Identifiers: Orphanet 79401, MedGen C0432317, MONDO:0007555, OMIM 131950.

Submission:

Labcorp Genetics (formerly Invitae), Labcorp
Classification: Uncertain significance for Autosomal recessive limb-girdle muscular dystrophy type 2Q; Epidermolysis bullosa simplex, Ogna type; Epidermolysis bullosa simplex with nail dystrophy; Epidermolysis bullosa simplex 5C, with pyloric atresia; Epidermolysis bullosa simplex 5B, with muscular dystrophy. Last evaluated: 2021-12-30. Review status: criteria provided, single submitter. Criteria: Invitae Variant Classification Sherloc (09022015). Collection method: clinical testing. Allele origin: germline.
Comment: This sequence change replaces leucine, which is neutral and non-polar, with phenylalanine, which is neutral and non-polar, at codon 1115 of the PLEC protein (p.Leu1115Phe). In summary, the available evidence is currently insufficient to determine the role of this variant in disease. Therefore, it has been classified as a Variant of Uncertain Significance. Algorithms developed to predict the effect of sequence changes on RNA splicing suggest that this variant may create or strengthen a splice site. Algorithms developed to predict the effect of missense changes on protein structure and function are either unavailable or do not agree on the potential impact of this missense change (SIFT: "Deleterious"; PolyPhen-2: "Not Available"; Align-GVGD: "Class C15"). This variant has not been reported in the literature in individuals affected with PLEC-related conditions. This variant is not present in population databases (gnomAD no frequency).